The following is an entry in ClinVar:

NM_005431.2(XRCC2):c.41T>C (p.Leu14Pro)

Gene: XRCC2 (X-ray repair cross complementing 2; minus strand). Cytogenetic location: 7q36.1.
Variant type: single nucleotide variant.
Coding change: c.41T>C on transcript NM_005431.2 (MANE Select); coding-DNA position 41, T replaced by C.
Protein change: p.Leu14Pro; replaces leucine 14 with proline.
Molecular consequence: missense variant.
Genome position (GRCh38, 1-based): chr7:152,660,781, A>G on the plus strand (T>C on the coding strand, the complement: XRCC2 is on the minus strand). VCF-style: chr7-152660781-A-G. GRCh37 (hg19) VCF-style: chr7-152357866-A-G.
Other names: c.41T>C (NM_005431.1); short protein forms L14P.
Identifiers: ClinVar variation 992194 (VCV000992194.9), dbSNP rs757140620, ClinGen allele CA4582418.

ClinVar aggregate classification (germline): Uncertain significance. Review status: criteria provided, multiple submitters, no conflicts (2 of 4 stars). 5 submissions from 4 submitters: Uncertain significance (3). 2 of the submissions do not count toward it. Last evaluated 2023-09-25.

Conditions:
Spermatogenic failure 50. Also called: Spermatogenic failures 50. Identifiers: MedGen C5436888, MONDO:0030869, OMIM 619145.
Premature ovarian failure 17. Identifiers: MedGen C5436889, MONDO:0030870, OMIM 619146.
Fanconi anemia complementation group U. Identifiers: MedGen C4310651, MONDO:0014987, OMIM 617247.
Hereditary cancer-predisposing syndrome. Also called: Neoplastic Syndromes, Hereditary; Tumor predisposition; Hereditary neoplastic syndrome; Hereditary Cancer Syndrome. Identifiers: Orphanet 140162, MedGen C0027672, MeSH D009386, MONDO:0015356.

Allele frequency attached by ClinVar (database versions not stated): TOPMed below 0.00001; ExAC 0.00001; gnomAD 0.00001; gnomAD exomes below 0.00001.
gnomAD v4.1: 3 of 1,606,506 alleles (0.00019%); highest among the groups gnomAD compares: East Asian, 0.0067%; no homozygotes.

Submissions (5):

Labcorp Genetics (formerly Invitae), Labcorp
Classification: Uncertain significance. Last evaluated: 2023-09-25. Review status: criteria provided, single submitter. Criteria: Invitae Variant Classification Sherloc (09022015). Collection method: clinical testing. Allele origin: germline.
Comment: ClinVar contains an entry for this variant (Variation ID: 992194). In summary, the available evidence is currently insufficient to determine the role of this variant in disease. Therefore, it has been classified as a Variant of Uncertain Significance. Studies have shown that this missense change results in skipping of exon 2 and introduces a new termination codon (PMID: 30489636). However the mRNA is not expected to undergo nonsense-mediated decay. Experimental studies have shown that this missense change affects XRCC2 function (PMID: 30042186). An algorithm developed to predict the effect of missense changes on protein structure and function (PolyPhen-2) suggests that this variant is likely to be tolerated. This missense change has been observed in individual(s) with primary ovarian insufficiency or non-obstructive azoospermia (PMID: 30042186, 30489636). This variant is present in population databases (rs757140620, gnomAD 0.006%). This sequence change replaces leucine, which is neutral and non-polar, with proline, which is neutral and non-polar, at codon 14 of the XRCC2 protein (p.Leu14Pro). RNA analysis indicates that this missense change induces altered splicing and likely disrupts the C-terminus of the protein.

Ambry Genetics
Classification: Uncertain significance for Hereditary cancer-predisposing syndrome. Last evaluated: 2023-05-21. Review status: criteria provided, single submitter. Criteria: Ambry Variant Classification Scheme 2023. Collection method: clinical testing. Allele origin: germline.
Comment: The p.L14P variant (also known as c.41T>C), located in coding exon 2 of the XRCC2 gene, results from a T to C substitution at nucleotide position 41. The leucine at codon 14 is replaced by proline, an amino acid with similar properties. This variant has been identified in an individual with colorectal cancer (Xu T et al. Front Oncol, 2020 Oct;10:568911). This amino acid position is highly conserved in available vertebrate species. In addition, this alteration is predicted to be deleterious by in silico analysis. Since supporting evidence is limited at this time, the clinical significance of this alteration remains unclear.

Juno Genomics, Hangzhou Juno Genomics, Inc
Classification: Uncertain significance for Fanconi anemia complementation group U; Premature ovarian failure 17; Spermatogenic failure 50. Review status: criteria provided, single submitter. Criteria: ACMG Guidelines, 2015. Collection method: clinical testing. Allele origin: germline.
Comment: Absent from controls (or at extremely low frequency if recessive) in Genome Aggregation Database.;Multiple lines of computational evidence support a deleterious effect on the gene or gene product.;For recessive disorders, detected in trans with a pathogenic variant.

OMIM
Classification: Pathogenic for SPERMATOGENIC FAILURE 50. Last evaluated: 2020-12-30. Review status: no assertion criteria provided. Collection method: literature only. Allele origin: germline. Not counted in ClinVar's aggregate classification.

OMIM
Classification: Pathogenic for PREMATURE OVARIAN FAILURE 17. Last evaluated: 2020-12-30. Review status: no assertion criteria provided. Collection method: literature only. Allele origin: germline. Not counted in ClinVar's aggregate classification.

Literature cited by the submitters: PubMed 30489636 (cited by Labcorp Genetics (formerly Invitae), Labcorp and OMIM); PubMed 30042186 (cited by Labcorp Genetics (formerly Invitae), Labcorp and OMIM); PubMed 33194656 (cited by Ambry Genetics).